The following is an entry in ClinVar:

NM_022167.4(XYLT2):c.1147C>T (p.Arg383Cys)

Gene: XYLT2 (xylosyltransferase 2; plus strand). Cytogenetic location: 17q21.33.
Variant type: single nucleotide variant.
Coding change: c.1147C>T on transcript NM_022167.4 (MANE Select); coding-DNA position 1147, C replaced by T.
Protein change: p.Arg383Cys; replaces arginine 383 with cysteine.
Molecular consequence: missense variant.
Genome position (GRCh38, 1-based): chr17:50,355,839, C>T. VCF-style: chr17-50355839-C-T. GRCh37 (hg19) VCF-style: chr17-48433200-C-T.
Other names: short protein forms R383C.
Identifiers: ClinVar variation 1468191 (VCV001468191.8), dbSNP rs1483985025, ClinGen allele CA400204606.

ClinVar aggregate classification (germline): Uncertain significance (1 of 4 stars; one submission).

Allele frequency attached by ClinVar (database versions not stated): gnomAD 0.00001; TOPMed 0.00001.
gnomAD v4.1: 2 of 1,614,116 alleles (0.00012%); highest among the groups gnomAD compares: Non-Finnish European, 0.000085%; no homozygotes.

Submission:

Labcorp Genetics (formerly Invitae), Labcorp
Classification: Uncertain significance. Last evaluated: 2021-06-06. Review status: criteria provided, single submitter. Criteria: Invitae Variant Classification Sherloc (09022015). Collection method: clinical testing. Allele origin: germline.
Comment: This sequence change replaces arginine with cysteine at codon 383 of the XYLT2 protein (p.Arg383Cys). The arginine residue is highly conserved and there is a large physicochemical difference between arginine and cysteine. This variant is not present in population databases (ExAC no frequency). This variant has not been reported in the literature in individuals with XYLT2-related conditions. Algorithms developed to predict the effect of missense changes on protein structure and function (SIFT, PolyPhen-2, Align-GVGD) all suggest that this variant is likely to be disruptive, but these predictions have not been confirmed by published functional studies and their clinical significance is uncertain. In summary, the available evidence is currently insufficient to determine the role of this variant in disease. Therefore, it has been classified as a Variant of Uncertain Significance.